The following is an entry in ClinVar:

NM_006214.4(PHYH):c.643G>A (p.Gly215Ser)

Gene: PHYH (phytanoyl-CoA 2-hydroxylase; minus strand). Cytogenetic location: 10p13.
Variant type: single nucleotide variant.
Coding change: c.643G>A on transcript NM_006214.4 (MANE Select); coding-DNA position 643, G replaced by A.
Protein change: p.Gly215Ser; replaces glycine 215 with serine.
Molecular consequence: missense variant. On other transcripts: intron variant (1).
Genome position (GRCh38, 1-based): chr10:13,288,395, C>T on the plus strand (G>A on the coding strand, the complement: PHYH is on the minus strand). VCF-style: chr10-13288395-C-T. GRCh37 (hg19) VCF-style: chr10-13330395-C-T.
Other names: c.349G>A, p.Gly117Ser (NM_001323084.2); c.415-4556G>A (NM_001323083.2); c.343G>A, p.Gly115Ser (NM_001037537.2, NM_001323080.2); c.649G>A, p.Gly217Ser (NM_001323082.2); short protein forms G215S, G115S, G117S, G217S.
Identifiers: ClinVar variation 299249 (VCV000299249.22), dbSNP rs7901902, ClinGen allele CA5412291.
Genomic context (GRCh38, chr10:13,288,395, plus strand): 5'-AGACTCAGCCGCCGGGCAGACCTACCTCCCACTTGGGGTAATCGTGGGGCTTCAGGGAGC[C>T]CTTGTGTGTGCCTGGGAGCACAACCAGACAGCCGTTGTTCCGGCTGATGTGCTCCATCGC-3'
Protein context (NP_006205.1, residues 205-225): CLVVLPGTHK[Gly215Ser]SLKPHDYPKW

ClinVar aggregate classification (germline): Benign/Likely benign. Review status: criteria provided, multiple submitters, no conflicts (2 of 4 stars). 7 submissions from 7 submitters: Benign (4); Likely benign (1). 2 of the submissions do not count toward it. Last evaluated 2026-01-24.

Conditions:
Refsum disease, classic. Also called: HEREDOPATHIA ATACTICA POLYNEURITIFORMIS; HMSN IV; PHYTANIC ACID OXIDASE DEFICIENCY; PHYH-Related Refsum Disease. Identifiers: Orphanet 773, MedGen C5780941, MONDO:1060256, OMIM 266500. Disease mechanism: loss of function.

Allele frequency attached by ClinVar (database versions not stated): ExAC 0.00186; gnomAD 0.00603 and 0.00557; TOPMed 0.00620; gnomAD exomes 0.00155 and 0.00072; 1000 Genomes Project 0.00559; 1000 Genomes Project 30x 0.00625; ESP Exome Variant Server 0.00700.
gnomAD v4.1: 1,981 of 1,614,068 alleles (0.12%); highest among the groups gnomAD compares: African/African-American, 2%; 24 homozygotes.

Submissions (7):

Labcorp Genetics (formerly Invitae), Labcorp
Classification: Benign. Last evaluated: 2026-01-24. Review status: criteria provided, single submitter. Criteria: Invitae Variant Classification Sherloc (09022015). Collection method: clinical testing. Allele origin: germline.

Genomic Medicine Center of Excellence, King Faisal Specialist Hospital and Research Centre
Classification: Likely benign. Last evaluated: 2025-08-18. Review status: criteria provided, single submitter. Criteria: ACMG Guidelines, 2015. Collection method: clinical testing. Allele origin: germline.

Mayo Clinic Laboratories, Mayo Clinic
Classification: Benign. Last evaluated: 2020-02-03. Review status: criteria provided, single submitter. Criteria: ACMG Guidelines, 2015. Collection method: clinical testing. Allele origin: germline. Observed: 10 variant alleles.

Illumina Laboratory Services, Illumina
Classification: Benign for Refsum disease, classic. Last evaluated: 2018-01-13. Review status: criteria provided, single submitter. Criteria: ICSL Variant Classification Criteria 13 December 2019. Collection method: clinical testing. Allele origin: germline.
Comment: This variant was observed in the ICSL laboratory as part of a predisposition screen in an ostensibly healthy population. It had not been previously curated by ICSL or reported in the Human Gene Mutation Database (HGMD: prior to June 1st, 2018), and was therefore a candidate for classification through an automated scoring system. Utilizing variant allele frequency, disease prevalence and penetrance estimates, and inheritance mode, an automated score was calculated to assess if this variant is too frequent to cause the disease. Based on the score and internal cut-off values, a variant classified as benign is not then subjected to further curation. The score for this variant resulted in a classification of benign for this disease.

Breakthrough Genomics
Classification: Benign. Review status: criteria provided, single submitter. Criteria: ACMG Guidelines, 2015. Collection method: not provided. Allele origin: germline. Inheritance: Autosomal recessive inheritance. Affected: yes.

Clinical Genetics DNA and cytogenetics Diagnostics Lab, Erasmus MC, Erasmus Medical Center
Classification: Benign. Review status: no assertion criteria provided. Collection method: clinical testing. Allele origin: germline. Affected: yes. Study: VKGL Data-share Consensus. Not counted in ClinVar's aggregate classification.

Clinical Genetics, Academic Medical Center
Classification: Benign. Review status: no assertion criteria provided. Collection method: clinical testing. Allele origin: germline. Affected: yes. Study: VKGL Data-share Consensus. Not counted in ClinVar's aggregate classification.